The following is an entry in ClinVar:

NM_014053.4(FLVCR1):c.*1826C>T

Gene: FLVCR1 (FLVCR choline and heme transporter 1; plus strand). Cytogenetic location: 1q32.3.
Variant type: single nucleotide variant.
Coding change: c.*1826C>T on transcript NM_014053.4 (MANE Select); 1826 bases downstream of the stop codon, C replaced by T.
Molecular consequence: 3 prime UTR variant.
Genome position (GRCh38, 1-based): chr1:212,897,116, C>T. VCF-style: chr1-212897116-C-T. GRCh37 (hg19) VCF-style: chr1-213070458-C-T.
Identifiers: ClinVar variation 295365 (VCV000295365.6), dbSNP rs12567976, ClinGen allele CA10609778.
Genomic context (GRCh38, chr1:212,897,116, plus strand): 5'-CTACTCAGGAGGCTGAGGCAGGAGAATCGCTTGAATGCGAATGGCAGAGGTTGCAGTGAG[C>T]GAAAATCACACTACTGCACTCCAGCCTGGGAGATAAAGTGAGACTGTCTCAAATAAATAA-3'

ClinVar aggregate classification (germline): Benign. Review status: criteria provided, multiple submitters, no conflicts (2 of 4 stars). 2 submissions from 2 submitters: Benign (2). Last evaluated 2018-01-13.

Conditions:
Posterior column ataxia-retinitis pigmentosa syndrome (RETSNS). Also called: RETINOPATHY-SENSORY NEUROPATHY SYNDROME. Identifiers: Orphanet 88628, MedGen C1836916, MONDO:0012177, OMIM 609033.

Allele frequency attached by ClinVar (database versions not stated): 1000 Genomes Project 30x 0.36883; gnomAD 0.38865 and 0.39502; TOPMed 0.36290; 1000 Genomes Project 0.37919.

Submissions (2):

Illumina Laboratory Services, Illumina
Classification: Benign for Posterior column ataxia-retinitis pigmentosa syndrome. Last evaluated: 2018-01-13. Review status: criteria provided, single submitter. Criteria: ICSL Variant Classification Criteria 13 December 2019. Collection method: clinical testing. Allele origin: germline.
Comment: This variant was observed in the ICSL laboratory as part of a predisposition screen in an ostensibly healthy population. It had not been previously curated by ICSL or reported in the Human Gene Mutation Database (HGMD: prior to June 1st, 2018), and was therefore a candidate for classification through an automated scoring system. Utilizing variant allele frequency, disease prevalence and penetrance estimates, and inheritance mode, an automated score was calculated to assess if this variant is too frequent to cause the disease. Based on the score and internal cut-off values, a variant classified as benign is not then subjected to further curation. The score for this variant resulted in a classification of benign for this disease.

Breakthrough Genomics
Classification: Benign. Review status: criteria provided, single submitter. Criteria: ACMG Guidelines, 2015. Collection method: not provided. Allele origin: germline. Inheritance: Autosomal recessive inheritance. Affected: yes.